The following is an entry in ClinVar:

NM_000258.3(MYL3):c.49C>T (p.Pro17Ser)

Gene: MYL3 (myosin light chain 3; minus strand). Cytogenetic location: 3p21.31.
Variant type: single nucleotide variant.
Coding change: c.49C>T on transcript NM_000258.3 (MANE Select); coding-DNA position 49, C replaced by T.
Protein change: p.Pro17Ser; replaces proline 17 with serine.
Molecular consequence: missense variant.
Genome position (GRCh38, 1-based): chr3:46,863,342, G>A on the plus strand (C>T on the coding strand, the complement: MYL3 is on the minus strand). VCF-style: chr3-46863342-G-A. GRCh37 (hg19) VCF-style: chr3-46904832-G-A.
Other names: short protein forms P17S.
Identifiers: ClinVar variation 935086 (VCV000935086.14), dbSNP rs1702011848, ClinGen allele CA352499775.

ClinVar aggregate classification (germline): Uncertain significance. Review status: criteria provided, multiple submitters, no conflicts (2 of 4 stars). 5 submissions from 5 submitters: Uncertain significance (5). Last evaluated 2025-06-28.

Conditions:
Cardiovascular phenotype. Identifiers: MedGen CN230736.
Cardiomyopathy (CMYO). Also called: Cardiomyopathies. Identifiers: Orphanet 167848, MedGen C0878544, MONDO:0004994, HP:0001638. Inheritance: Various modes of inheritance.
Hypertrophic cardiomyopathy. Also called: HYPERTROPHIC MYOCARDIOPATHY. Identifiers: Orphanet 217569, MedGen C0007194, MeSH D002312, MONDO:0005045, HP:0001639.

Allele frequency attached by ClinVar (database versions not stated): gnomAD exomes below 0.00001.
gnomAD v4.1: 3 of 1,613,906 alleles (0.00019%); highest among the groups gnomAD compares: South Asian, 0.0022%; no homozygotes.

Submissions (5):

Ambry Genetics
Classification: Uncertain significance for Cardiovascular phenotype. Last evaluated: 2025-06-28. Review status: criteria provided, single submitter. Criteria: Ambry Variant Classification Scheme 2023. Collection method: clinical testing. Allele origin: germline.
Comment: The p.P17S variant (also known as c.49C>T), located in coding exon 1 of the MYL3 gene, results from a C to T substitution at nucleotide position 49. The proline at codon 17 is replaced by serine, an amino acid with similar properties. This amino acid position is not well conserved in available vertebrate species, and serine is the reference amino acid in other vertebrate species. In addition, this alteration is predicted to be tolerated by in silico analysis. Since supporting evidence is limited at this time, the clinical significance of this alteration remains unclear.

GeneDx
Classification: Uncertain significance. Last evaluated: 2024-07-14. Review status: criteria provided, single submitter. Criteria: GeneDx Variant Classification Process June 2021. Collection method: clinical testing. Allele origin: germline. Affected: yes.
Comment: Not observed at significant frequency in large population cohorts (gnomAD); In silico analysis supports that this missense variant has a deleterious effect on protein structure/function; Has not been previously published as pathogenic or benign to our knowledge

Color Diagnostics, LLC DBA Color Health
Classification: Uncertain significance for Cardiomyopathy. Last evaluated: 2024-03-07. Review status: criteria provided, single submitter. Criteria: ACMG Guidelines, 2015. Collection method: clinical testing. Allele origin: germline.
Comment: This missense variant replaces proline with serine at codon 17 of the MYL3 protein. Computational prediction suggests that this variant may not impact protein structure and function (internally defined REVEL score threshold <= 0.5, PMID: 27666373). To our knowledge, functional studies have not been reported for this variant. This variant has not been reported in individuals affected with MYL3-related disorders in the literature. This variant has not been identified in the general population by the Genome Aggregation Database (gnomAD). The available evidence is insufficient to determine the role of this variant in disease conclusively. Therefore, this variant is classified as a Variant of Uncertain Significance.

All of Us Research Program, National Institutes of Health
Classification: Uncertain significance for Hypertrophic cardiomyopathy. Last evaluated: 2024-02-05. Review status: criteria provided, single submitter. Criteria: ACMG Guidelines, 2015. Collection method: clinical testing. Allele origin: germline. Inheritance: Autosomal dominant inheritance. Observed: 5 variant alleles, 5 heterozygotes.
Comment: This missense variant replaces proline with serine at codon 17 of the MYL3 protein. Computational prediction suggests that this variant may not impact protein structure and function (internally defined REVEL score threshold <= 0.5, PMID: 27666373). To our knowledge, functional studies have not been reported for this variant. This variant has not been reported in individuals affected with MYL3-related disorders in the literature. This variant has not been identified in the general population by the Genome Aggregation Database (gnomAD). The available evidence is insufficient to determine the role of this variant in disease conclusively. Therefore, this variant is classified as a Variant of Uncertain Significance.

This study involves interpretation of variants in research participants for the purpose of population health screening. Participant phenotype was not available at the time of variant classification. Additional details can be found in publication PMID: 35346344, PMCID: PMC8962531

Labcorp Genetics (formerly Invitae), Labcorp
Classification: Uncertain significance for Hypertrophic cardiomyopathy. Last evaluated: 2020-04-07. Review status: criteria provided, single submitter. Criteria: Invitae Variant Classification Sherloc (09022015). Collection method: clinical testing. Allele origin: germline.
Comment: Algorithms developed to predict the effect of missense changes on protein structure and function output the following: SIFT: "Tolerated"; PolyPhen-2: "Not Available"; Align-GVGD: "Class C0". The serine amino acid residue is found in multiple mammalian species, suggesting that this missense change does not adversely affect protein function. These predictions have not been confirmed by published functional studies and their clinical significance is uncertain. This variant has not been reported in the literature in individuals with MYL3-related conditions. This variant is not present in population databases (ExAC no frequency). This sequence change replaces proline with serine at codon 17 of the MYL3 protein (p.Pro17Ser). The proline residue is weakly conserved and there is a moderate physicochemical difference between proline and serine. In summary, the available evidence is currently insufficient to determine the role of this variant in disease. Therefore, it has been classified as a Variant of Uncertain Significance.